The following is an entry in ClinVar:

NM_024105.4(ALG12):c.166G>A (p.Asp56Asn)

Gene: ALG12 (ALG12 alpha-1,6-mannosyltransferase; minus strand). Cytogenetic location: 22q13.33.
Variant type: single nucleotide variant.
Coding change: c.166G>A on transcript NM_024105.4 (MANE Select); coding-DNA position 166, G replaced by A.
Protein change: p.Asp56Asn; replaces aspartic acid 56 with asparagine.
Molecular consequence: missense variant.
Genome position (GRCh38, 1-based): chr22:49,913,514, C>T on the plus strand (G>A on the coding strand, the complement: ALG12 is on the minus strand). VCF-style: chr22-49913514-C-T. GRCh37 (hg19) VCF-style: chr22-50307162-C-T.
Other names: c.166G>A (NM_024105.3); short protein forms D56N.
Identifiers: ClinVar variation 1440993 (VCV001440993.9), dbSNP rs201033281, ClinGen allele CA10300708.

ClinVar aggregate classification (germline): Uncertain significance. Review status: criteria provided, multiple submitters, no conflicts (2 of 4 stars). 3 submissions from 3 submitters: Uncertain significance (3). Last evaluated 2025-04-20.

Conditions:
Inborn genetic diseases. Identifiers: MedGen C0950123, MeSH D030342.
ALG12-congenital disorder of glycosylation (CDG1G). Also called: ALG12-CDG; CDG Ig; Congenital disorder of glycosylation, type Ig. Identifiers: Orphanet 79324, MedGen C2931001, MONDO:0011783, OMIM 607143.

Allele frequency attached by ClinVar (database versions not stated): gnomAD 0.00002 and 0.00005; gnomAD exomes 0.00002 and 0.00008; TOPMed 0.00005; ExAC 0.00010; 1000 Genomes Project 0.00060; 1000 Genomes Project 30x 0.00062.
gnomAD v4.1: 49 of 1,613,914 alleles (0.003%); highest among the groups gnomAD compares: East Asian, 0.065%; no homozygotes.

Submissions (3):

Ambry Genetics
Classification: Uncertain significance for Inborn genetic diseases. Last evaluated: 2025-04-20. Review status: criteria provided, single submitter. Criteria: Ambry Variant Classification Scheme 2023. Collection method: clinical testing. Allele origin: germline.

Labcorp Genetics (formerly Invitae), Labcorp
Classification: Uncertain significance for ALG12-congenital disorder of glycosylation. Last evaluated: 2022-06-27. Review status: criteria provided, single submitter. Criteria: Invitae Variant Classification Sherloc (09022015). Collection method: clinical testing. Allele origin: germline.
Comment: This sequence change replaces aspartic acid, which is acidic and polar, with asparagine, which is neutral and polar, at codon 56 of the ALG12 protein (p.Asp56Asn). This variant is present in population databases (rs201033281, gnomAD 0.08%). This variant has not been reported in the literature in individuals affected with ALG12-related conditions. Algorithms developed to predict the effect of missense changes on protein structure and function are either unavailable or do not agree on the potential impact of this missense change (SIFT: "Deleterious"; PolyPhen-2: "Probably Damaging"; Align-GVGD: "Class C0"). In summary, the available evidence is currently insufficient to determine the role of this variant in disease. Therefore, it has been classified as a Variant of Uncertain Significance.

Juno Genomics, Hangzhou Juno Genomics, Inc
Classification: Uncertain significance for ALG12-congenital disorder of glycosylation. Review status: criteria provided, single submitter. Criteria: ACMG Guidelines, 2015. Collection method: clinical testing. Allele origin: germline.
Comment: Absent from controls (or at extremely low frequency if recessive) in Genome Aggregation Database.;Multiple lines of computational evidence support a deleterious effect on the gene or gene product.